The following is an entry in ClinVar:

ClinVar aggregate classification (germline): Uncertain significance. Review status: criteria provided, multiple submitters, no conflicts (2 of 4 stars). 2 submissions from 2 submitters: Uncertain significance (2). Last evaluated 2024-11-28.

Conditions:
Noonan syndrome 4 (NS4). Also called: NOONAN SYNDROME WITH PIGMENTED VILLONODULAR SYNOVITIS; SOS1-Related Noonan Syndrome. Identifiers: Orphanet 648, MedGen C1853120, MONDO:0012547, OMIM 610733.
RASopathy. Also called: rasopathies; Noonan spectrum disorder. Identifiers: Orphanet 536391, MedGen C5555857, MONDO:0021060.

Allele frequency attached by ClinVar (database versions not stated): gnomAD exomes below 0.00001.

Submissions (2):

Labcorp Genetics (formerly Invitae), Labcorp
Classification: Uncertain significance for RASopathy. Last evaluated: 2024-11-28. Review status: criteria provided, single submitter. Criteria: Invitae Variant Classification Sherloc (09022015). Collection method: clinical testing. Allele origin: germline.
Comment: This sequence change falls in intron 13 of the SOS1 gene. It does not directly change the encoded amino acid sequence of the SOS1 protein. It affects a nucleotide within the consensus splice site. This variant is not present in population databases (gnomAD no frequency). This variant has not been reported in the literature in individuals affected with SOS1-related conditions. ClinVar contains an entry for this variant (Variation ID: 3237451). Variants that disrupt the consensus splice site are a relatively common cause of aberrant splicing (PMID: 17576681, 9536098). Algorithms developed to predict the effect of sequence changes on RNA splicing suggest that this variant is not likely to affect RNA splicing. In summary, the available evidence is currently insufficient to determine the role of this variant in disease. Therefore, it has been classified as a Variant of Uncertain Significance.

Clinical Genomics Laboratory, Washington University in St. Louis
Classification: Uncertain significance for Noonan syndrome 4. Last evaluated: 2024-02-04. Review status: criteria provided, single submitter. Criteria: ACMG Guidelines, 2015. Collection method: clinical testing. Allele origin: germline.
Comment: The SOS1 c.2167+5dup variant was identified at an allele fraction consistent with somatic origin. This variant, to our knowledge, has not been reported in the medical literature. This variant is observed in 2/1,418,492 alleles in the general population (gnomAD v4.0.0). Computational predictors indicate that the variant has no impact on splicing, evidence that this variant does not have a damaging effect on SOS1 function. Due to limited information, and based on an internally-developed protocol informed by the ACMG/AMP guidelines (Richards S et al., PMID: 25741868) and gene-specific practices from the ClinGen Criteria Specification Registry, the clinical significance of the SOS1 c.2167+5dup variant is uncertain at this time.

Literature cited by the submitters: PubMed 17576681 (cited by Labcorp Genetics (formerly Invitae), Labcorp); PubMed 9536098 (cited by Labcorp Genetics (formerly Invitae), Labcorp).

NM_005633.4(SOS1):c.2167+5dup

Gene: SOS1 (SOS Ras/Rac guanine nucleotide exchange factor 1; minus strand). Cytogenetic location: 2p22.1.
Variant type: Duplication.
Coding change: c.2167+5dup on transcript NM_005633.4 (MANE Select); 5 bases into the intron after coding-DNA position 2167, one base duplicated (G; older notation c.2167+5dupG).
Molecular consequence: intron variant.
Genome position (GRCh38, 1-based): chr2:39,013,455, C duplicated on the plus strand (G on the coding strand, the reverse complement: SOS1 is on the minus strand). VCF-style (leftmost placement, unchanged base first): chr2-39013454-A-AC. GRCh37 (hg19) VCF-style: chr2-39240595-A-AC.
Other names: c.2146+5dup (NM_001382394.1); c.2167+5dup (NM_001382395.1).
Identifiers: ClinVar variation 3237451 (VCV003237451.3), dbSNP rs2528997431.